The following is an entry in ClinVar:

ClinVar aggregate classification (germline): Likely benign. Review status: criteria provided, multiple submitters, no conflicts (2 of 4 stars). 5 submissions from 5 submitters: Likely benign (4). 1 of the submissions does not count toward it. Last evaluated 2026-01-12.

Conditions:
FCSK-related disorder. Also called: FCSK-related condition.

Allele frequency attached by ClinVar (database versions not stated): TOPMed 0.00011; 1000 Genomes Project 30x 0.00016; ESP Exome Variant Server 0.00016; 1000 Genomes Project 0.00020; ExAC 0.00024; gnomAD exomes 0.00026; gnomAD 0.00038.
gnomAD v4.1: 354 of 1,612,790 alleles (0.022%); highest among the groups gnomAD compares: Non-Finnish European, 0.025%; 1 homozygote.

Submissions (5):

Labcorp Genetics (formerly Invitae), Labcorp
Classification: Likely benign. Last evaluated: 2026-01-12. Review status: criteria provided, single submitter. Criteria: Invitae Variant Classification Sherloc (09022015). Collection method: clinical testing. Allele origin: germline.

CeGaT Center for Human Genetics Tuebingen
Classification: Likely benign. Last evaluated: 2025-04-01. Review status: criteria provided, single submitter. Criteria: CeGaT Center For Human Genetics Tuebingen Variant Classification Criteria Version 2. Collection method: clinical testing. Allele origin: germline. Affected: yes. Observed: 2 variant alleles.
Comment: FCSK: BP4, BP7

Laboratory of Genetics, Children's Clinical University Hospital Latvia
Classification: Likely benign. Last evaluated: 2025-02-16. Review status: criteria provided, single submitter. Criteria: ACMG Guidelines, 2015. Collection method: clinical testing. Allele origin: germline. Affected: yes.

Blueprint Genetics
Classification: Likely benign. Last evaluated: 2024-08-09. Review status: criteria provided, single submitter. Criteria: ACMG Guidelines, 2015. Collection method: clinical testing. Allele origin: germline.

PreventionGenetics, part of Exact Sciences
Classification: Likely benign for FCSK-related condition. Last evaluated: 2019-08-29. Review status: no assertion criteria provided. Collection method: clinical testing. Allele origin: germline. Not counted in ClinVar's aggregate classification.
Comment: This variant is classified as likely benign based on ACMG/AMP sequence variant interpretation guidelines (Richards et al. 2015 PMID: 25741868, with internal and published modifications).

NM_145059.3(FCSK):c.1350G>A (p.Gly450=)

Gene: FCSK (fucose kinase; plus strand). Cytogenetic location: 16q22.1.
Variant type: single nucleotide variant.
Coding change: c.1350G>A on transcript NM_145059.3 (MANE Select); coding-DNA position 1350, G replaced by A.
Protein change: p.Gly450=; no amino-acid change (glycine 450 retained).
Molecular consequence: synonymous variant.
Genome position (GRCh38, 1-based): chr16:70,472,549, G>A. VCF-style: chr16-70472549-G-A. GRCh37 (hg19) VCF-style: chr16-70506452-G-A.
Other names: c.1350G>A (NM_145059.2).
Identifiers: ClinVar variation 1682367 (VCV001682367.35), dbSNP rs200800448, ClinGen allele CA8143301.